The following is an entry in ClinVar:

ClinVar aggregate classification (germline): Uncertain significance. Review status: criteria provided, multiple submitters, no conflicts (2 of 4 stars). 2 submissions from 2 submitters: Uncertain significance (2). Last evaluated 2023-11-27.

gnomAD v4.1: 88 of 1,605,910 alleles (0.0055%); highest among the groups gnomAD compares: Middle Eastern, 0.099%; no homozygotes.

Submissions (2):

Labcorp Genetics (formerly Invitae), Labcorp
Classification: Uncertain significance. Last evaluated: 2023-11-27. Review status: criteria provided, single submitter. Criteria: Invitae Variant Classification Sherloc (09022015). Collection method: clinical testing. Allele origin: germline.
Comment: This sequence change replaces glutamic acid, which is acidic and polar, with lysine, which is basic and polar, at codon 1055 of the FMN1 protein (p.Glu1055Lys). This variant is present in population databases (rs370021797, gnomAD 0.08%), and has an allele count higher than expected for a pathogenic variant. This variant has not been reported in the literature in individuals affected with FMN1-related conditions. ClinVar contains an entry for this variant (Variation ID: 1358151). An algorithm developed to predict the effect of missense changes on protein structure and function (PolyPhen-2) suggests that this variant is likely to be tolerated. In summary, the available evidence is currently insufficient to determine the role of this variant in disease. Therefore, it has been classified as a Variant of Uncertain Significance.

Ambry Genetics
Classification: Uncertain significance. Last evaluated: 2023-11-03. Review status: criteria provided, single submitter. Criteria: Ambry Variant Classification Scheme 2023. Collection method: clinical testing. Allele origin: germline.

NM_001277313.2(FMN1):c.3832G>A (p.Glu1278Lys)

Gene: FMN1 (formin 1; minus strand). Cytogenetic location: 15q13.3.
Variant type: single nucleotide variant.
Coding change: c.3832G>A on transcript NM_001277313.2 (MANE Select); coding-DNA position 3832, G replaced by A.
Protein change: p.Glu1278Lys; replaces glutamic acid 1278 with lysine.
Molecular consequence: missense variant.
Genome position (GRCh38, 1-based): chr15:32,888,175, C>T on the plus strand (G>A on the coding strand, the complement: FMN1 is on the minus strand). VCF-style: chr15-32888175-C-T. GRCh37 (hg19) VCF-style: chr15-33180376-C-T.
Other names: c.3163G>A, p.Glu1055Lys (NM_001103184.4); c.3163G>A (NM_001103184.2); short protein forms E1055K, E1278K.
Identifiers: ClinVar variation 1358151 (VCV001358151.7), dbSNP rs370021797, ClinGen allele CA7456408.